The following is an entry in ClinVar:

ClinVar aggregate classification (germline): Likely pathogenic (1 of 4 stars; one submission).

Conditions:
Fanconi anemia complementation group J. Also called: BRIP1-Related Fanconi Anemia. Identifiers: Orphanet 84, MedGen C1836860, MONDO:0012187, OMIM 609054.
Familial cancer of breast. Also called: BREAST CANCER, FAMILIAL; Hereditary breast cancer; hereditary breast carcinoma. Identifiers: Orphanet 227535, MedGen C0346153, MONDO:0016419, OMIM 114480. Disease mechanism: loss of function.

Submission:

Labcorp Genetics (formerly Invitae), Labcorp
Classification: Likely pathogenic for Familial cancer of breast; Fanconi anemia complementation group J. Last evaluated: 2023-06-28. Review status: criteria provided, single submitter. Criteria: Invitae Variant Classification Sherloc (09022015). Collection method: clinical testing. Allele origin: germline.
Comment: In summary, the currently available evidence indicates that the variant is pathogenic, but additional data are needed to prove that conclusively. Therefore, this variant has been classified as Likely Pathogenic. This variant disrupts the TopBP1-binding region of the BRIP1 protein, which plays a critical role in RPA chromatin loading and the activation of the replication checkpoint in response to DNA damage (PMID: 20159562, 21127055). While functional studies have not been performed to directly test the effect of this variant on BRIP1 protein function, this suggests that disruption of this region of the protein is causative of disease. This variant has not been reported in the literature in individuals affected with BRIP1-related conditions. This variant is not present in population databases (gnomAD no frequency). This sequence change creates a premature translational stop signal (p.Ser1109*) in the BRIP1 gene. While this is not anticipated to result in nonsense mediated decay, it is expected to disrupt the last 141 amino acid(s) of the BRIP1 protein.

Literature cited by the submitters: PubMed 20159562; PubMed 21127055.

NM_032043.3(BRIP1):c.3324_3325insT (p.Ser1109Ter)

Gene: BRIP1 (BRCA1 interacting DNA helicase 1; minus strand). Cytogenetic location: 17q23.2.
Variant type: Insertion.
Coding change: c.3324_3325insT on transcript NM_032043.3 (MANE Select); coding-DNA positions 3324 to 3325, T inserted.
Protein change: p.Ser1109Ter; replaces serine 1109 with a stop codon.
Molecular consequence: nonsense.
Genome position: GRCh38 VCF-style: chr17-61683721-T-TA. GRCh37 (hg19) VCF-style: chr17-59761082-T-TA.
Other names: short protein forms S1109*.
Identifiers: ClinVar variation 2949408 (VCV002949408.3), dbSNP rs2544557750, ClinGen allele CA2740093831.
Genomic context (GRCh38, chr17:61,683,721, plus strand): 5'-ATTCATCTTCTGCTTCTGTTTCAAAATCTCTATTTGAAGTGGACTGTTTATCTTCTTCAC[T>TA]TACTAGAGACAATTCAATGTCTGGATCCAGGGCTTCTTCAGAACAGAGCGGATGTTCAGA-3'